The following is an entry in ClinVar:

NM_025114.4(CEP290):c.2334_2341del (p.Asn778fs)

Gene: CEP290 (centrosomal protein 290; minus strand). Cytogenetic location: 12q21.32.
Variant type: Deletion.
Coding change: c.2334_2341del on transcript NM_025114.4 (MANE Select); coding-DNA positions 2334 to 2341, 8 bases deleted (TTCTCAGA; older notation c.2334_2341delTTCTCAGA).
Protein change: p.Asn778fs; shifts the reading frame from asparagine 778.
Molecular consequence: frameshift variant.
Genome position (GRCh38, 1-based): chr12:88,111,228-88,111,235, TCTGAGAA deleted on the plus strand (TTCTCAGA on the coding strand, the reverse complement: CEP290 is on the minus strand); deleting any 8 consecutive bases within chr12:88,111,228-88,111,236 gives the same sequence; the c. name uses the placement nearest the transcript's 3' end. VCF-style (leftmost placement, unchanged base first): chr12-88111227-TTCTGAGAA-T. GRCh37 (hg19) VCF-style: chr12-88505004-TTCTGAGAA-T.
Other names: short protein forms N778fs.
Identifiers: ClinVar variation 4816196 (VCV004816196.1).

ClinVar aggregate classification (germline): Likely pathogenic (1 of 4 stars; one submission).

Conditions:
Leber congenital amaurosis (LCA). Also called: Leber's amaurosis. Identifiers: Orphanet 65, MedGen C0339527, MeSH D057130, MONDO:0018998.

Submission:

Natera, Inc.
Classification: Likely pathogenic for Leber congenital amaurosis. Last evaluated: 2025-12-10. Review status: criteria provided, single submitter. Criteria: Natera Variant Classification Schema (03/2026). Collection method: clinical testing. Allele origin: germline.
Comment: The c.2334_2341del variant in CEP290 is a frameshift variant predicted to shift the reading frame beginning at codon 778 and leads to a stop codon 2 codons downstream. This variant is expected to result in nonsense mediated decay, truncation, or a dysfunctional protein product. This variant is rare in the general population with a frequency below the threshold expected for the associated phenotype(s). Given the available evidence, this variant is classified as Likely Pathogenic.